The following is an entry in ClinVar:

NM_015915.5(ATL1):c.*621G>A

Gene: ATL1 (atlastin GTPase 1; plus strand). Cytogenetic location: 14q22.1.
Variant type: single nucleotide variant.
Coding change: c.*621G>A on transcript NM_015915.5 (MANE Select); 621 bases downstream of the stop codon, G replaced by A.
Molecular consequence: 3 prime UTR variant.
Genome position (GRCh38, 1-based): chr14:50,632,960, G>A. VCF-style: chr14-50632960-G-A. GRCh37 (hg19) VCF-style: chr14-51099678-G-A.
Other names: c.*621G>A (NM_001127713.1, NM_181598.4).
Identifiers: ClinVar variation 313315 (VCV000313315.5), dbSNP rs1060183, ClinGen allele CA10640277.

ClinVar aggregate classification (germline): Benign (1 of 4 stars; one submission).

Conditions:
Hereditary spastic paraplegia 3A (SPG3A). Also called: SPASTIC PARAPLEGIA 3, AUTOSOMAL DOMINANT; FAMILIAL SPASTIC PARAPLEGIA, AUTOSOMAL DOMINANT, 1; SPG3; STRUMPELL DISEASE; Spastic Paraplegia 3A; Spastic paraplegia 3A, autosomal dominant. Identifiers: Orphanet 100984, MedGen C2931355, MONDO:0008437, OMIM 182600.

Allele frequency attached by ClinVar (database versions not stated): 1000 Genomes Project 0.00659; 1000 Genomes Project 30x 0.00671; gnomAD 0.00784 and 0.00821; TOPMed 0.00840.

Submission:

Illumina Laboratory Services, Illumina
Classification: Benign for Hereditary spastic paraplegia 3A. Last evaluated: 2018-01-13. Review status: criteria provided, single submitter. Criteria: ICSL Variant Classification Criteria 13 December 2019. Collection method: clinical testing. Allele origin: germline.
Comment: This variant was observed in the ICSL laboratory as part of a predisposition screen in an ostensibly healthy population. It had not been previously curated by ICSL or reported in the Human Gene Mutation Database (HGMD: prior to June 1st, 2018), and was therefore a candidate for classification through an automated scoring system. Utilizing variant allele frequency, disease prevalence and penetrance estimates, and inheritance mode, an automated score was calculated to assess if this variant is too frequent to cause the disease. Based on the score and internal cut-off values, a variant classified as benign is not then subjected to further curation. The score for this variant resulted in a classification of benign for this disease.